The following is an entry in ClinVar:

NM_005334.3(HCFC1):c.5166T>C (p.Ser1722=)

Gene: HCFC1 (host cell factor C1; minus strand). Cytogenetic location: Xq28.
Variant type: single nucleotide variant.
Coding change: c.5166T>C on transcript NM_005334.3 (MANE Select); coding-DNA position 5166, T replaced by C.
Protein change: p.Ser1722=; no amino-acid change (serine 1722 retained).
Molecular consequence: synonymous variant.
Genome position (GRCh38, 1-based): chrX:153,951,935, A>G on the plus strand (T>C on the coding strand, the complement: HCFC1 is on the minus strand). VCF-style: chrX-153951935-A-G. GRCh37 (hg19) VCF-style: chrX-153217386-A-G.
Other names: p.Ser1722=; c.5301T>C, p.Ser1767= (NM_001410705.1).
Identifiers: ClinVar variation 2054081 (VCV002054081.5), dbSNP rs377127749, ClinGen allele CA10556857.

ClinVar aggregate classification (germline): Benign/Likely benign. Review status: criteria provided, multiple submitters, no conflicts (2 of 4 stars). 2 submissions from 2 submitters: Benign (1); Likely benign (1). Last evaluated 2025-03-20.

Conditions:
Methylmalonic acidemia with homocystinuria, type cblX (MAHCX). Also called: INTELLECTUAL DEVELOPMENTAL DISORDER, X-LINKED 3. Identifiers: Orphanet 369962, MedGen C0796208, MONDO:0010657, OMIM 309541.

Allele frequency attached by ClinVar (database versions not stated): gnomAD 0.00005; TOPMed 0.00005; ExAC 0.00008; ESP Exome Variant Server 0.00010; gnomAD exomes 0.00020.
gnomAD v4.1: 218 of 1,185,568 alleles (0.018%); highest among the groups gnomAD compares: Non-Finnish European, 0.024%; no homozygotes.

Submissions (2):

Mayo Clinic Laboratories, Mayo Clinic
Classification: Likely benign. Last evaluated: 2025-03-20. Review status: criteria provided, single submitter. Criteria: ACMG Guidelines, 2015. Collection method: clinical testing. Allele origin: germline. Observed: 1 variant allele.
Comment: BS2, BP4, BP7

Labcorp Genetics (formerly Invitae), Labcorp
Classification: Benign for Methylmalonic acidemia with homocystinuria, type cblX. Last evaluated: 2025-02-17. Review status: criteria provided, single submitter. Criteria: Invitae Variant Classification Sherloc (09022015). Collection method: clinical testing. Allele origin: germline.